The following is an entry in ClinVar:

NM_015915.5(ATL1):c.731G>T (p.Gly244Val)

Gene: ATL1 (atlastin GTPase 1; plus strand). Cytogenetic location: 14q22.1.
Variant type: single nucleotide variant.
Coding change: c.731G>T on transcript NM_015915.5 (MANE Select); coding-DNA position 731, G replaced by T.
Protein change: p.Gly244Val; replaces glycine 244 with valine.
Molecular consequence: missense variant.
Genome position (GRCh38, 1-based): chr14:50,614,380, G>T. VCF-style: chr14-50614380-G-T. GRCh37 (hg19) VCF-style: chr14-51081098-G-T.
Other names: c.731G>T, p.Gly244Val (NM_001127713.1, NM_181598.4); short protein forms G244V.
Identifiers: ClinVar variation 998475 (VCV000998475.8), dbSNP rs2039394970, ClinGen allele CA389671405.

ClinVar aggregate classification (germline): Uncertain significance (1 of 4 stars; one submission).

Conditions:
Hereditary spastic paraplegia 3A (SPG3A). Also called: SPASTIC PARAPLEGIA 3, AUTOSOMAL DOMINANT; FAMILIAL SPASTIC PARAPLEGIA, AUTOSOMAL DOMINANT, 1; SPG3; STRUMPELL DISEASE; Spastic Paraplegia 3A; Spastic paraplegia 3A, autosomal dominant. Identifiers: Orphanet 100984, MedGen C2931355, MONDO:0008437, OMIM 182600.

Submission:

Labcorp Genetics (formerly Invitae), Labcorp
Classification: Uncertain significance for Hereditary spastic paraplegia 3A. Last evaluated: 2025-10-08. Review status: criteria provided, single submitter. Criteria: Invitae Variant Classification Sherloc (09022015). Collection method: clinical testing. Allele origin: germline.
Comment: This sequence change replaces glycine, which is neutral and non-polar, with valine, which is neutral and non-polar, at codon 244 of the ATL1 protein (p.Gly244Val). This variant is not present in population databases (gnomAD no frequency). This variant has not been reported in the literature in individuals affected with ATL1-related conditions. ClinVar contains an entry for this variant (Variation ID: 998475). Invitae Evidence Modeling of protein sequence and biophysical properties (such as structural, functional, and spatial information, amino acid conservation, physicochemical variation, residue mobility, and thermodynamic stability) has been performed for this missense variant. However, the output from this modeling did not meet the statistical confidence thresholds required to predict the impact of this variant on ATL1 protein function. In summary, the available evidence is currently insufficient to determine the role of this variant in disease. Therefore, it has been classified as a Variant of Uncertain Significance.